The following is an entry in ClinVar:

NM_005245.4(FAT1):c.961G>A (p.Gly321Ser)

Gene: FAT1 (FAT atypical cadherin 1; minus strand). Cytogenetic location: 4q35.2.
Variant type: single nucleotide variant.
Coding change: c.961G>A on transcript NM_005245.4 (MANE Select); coding-DNA position 961, G replaced by A.
Protein change: p.Gly321Ser; replaces glycine 321 with serine.
Molecular consequence: missense variant.
Genome position (GRCh38, 1-based): chr4:186,708,867, C>T on the plus strand (G>A on the coding strand, the complement: FAT1 is on the minus strand). VCF-style: chr4-186708867-C-T. GRCh37 (hg19) VCF-style: chr4-187630021-C-T.
Other names: c.961G>A (NM_005245.3); short protein forms G321S.
Identifiers: ClinVar variation 2175767 (VCV002175767.5), dbSNP rs374843828, ClinGen allele CA3167559.
Genomic context (GRCh38, chr4:186,708,867, plus strand): 5'-TATCTTTAGCCTGTAGTGTGAGATTGTAGCCGAAAGGATGACTGTCCCAATCAATGCCAC[C>T]GATGGCTTTGACTTTATACTCCTTACTCCCTGGAAAGGACCTCACTGTTCTAAACTGCTG-3'
Protein context (NP_005236.2, residues 311-331): GSKEYKVKAI[Gly321Ser]GIDWDSHPFG

ClinVar aggregate classification (germline): Conflicting classifications of pathogenicity. Review status: criteria provided, conflicting classifications (1 of 4 stars). 2 submissions from 2 submitters: Uncertain significance (1); Likely benign (1). Last evaluated 2025-03-22.

Conditions:
Inborn genetic diseases. Identifiers: MedGen C0950123, MeSH D030342.

Allele frequency attached by ClinVar (database versions not stated): ESP Exome Variant Server 0.00008.
gnomAD v4.1: 23 of 1,613,820 alleles (0.0014%); highest among the groups gnomAD compares: African/African-American, 0.015%; no homozygotes.

Submissions (2):

Ambry Genetics
Classification: Likely benign for Inborn genetic diseases. Last evaluated: 2025-03-22. Review status: criteria provided, single submitter. Criteria: Ambry Variant Classification Scheme 2023. Collection method: clinical testing. Allele origin: germline.

Labcorp Genetics (formerly Invitae), Labcorp
Classification: Uncertain significance. Last evaluated: 2022-07-19. Review status: criteria provided, single submitter. Criteria: Invitae Variant Classification Sherloc (09022015). Collection method: clinical testing. Allele origin: germline.
Comment: In summary, the available evidence is currently insufficient to determine the role of this variant in disease. Therefore, it has been classified as a Variant of Uncertain Significance. Algorithms developed to predict the effect of missense changes on protein structure and function output the following: SIFT: "Tolerated"; PolyPhen-2: "Benign"; Align-GVGD: "Class C0". The serine amino acid residue is found in multiple mammalian species, which suggests that this missense change does not adversely affect protein function. This variant has not been reported in the literature in individuals affected with FAT1-related conditions. This variant is present in population databases (rs374843828, gnomAD 0.01%). This sequence change replaces glycine, which is neutral and non-polar, with serine, which is neutral and polar, at codon 321 of the FAT1 protein (p.Gly321Ser).